The following is an entry in ClinVar:

ClinVar aggregate classification (germline): Uncertain significance (1 of 4 stars; one submission).

Conditions:
Gorlin syndrome. Also called: Basal cell nevus syndrome; Nevoid Basal Cell Carcinoma Syndrome. Identifiers: Orphanet 377, MedGen C0004779, MONDO:0007187.

Submission:

Labcorp Genetics (formerly Invitae), Labcorp
Classification: Uncertain significance for Gorlin syndrome. Last evaluated: 2022-07-06. Review status: criteria provided, single submitter. Criteria: Invitae Variant Classification Sherloc (09022015). Collection method: clinical testing. Allele origin: germline.
Comment: In summary, the available evidence is currently insufficient to determine the role of this variant in disease. Therefore, it has been classified as a Variant of Uncertain Significance. Advanced modeling of protein sequence and biophysical properties (such as structural, functional, and spatial information, amino acid conservation, physicochemical variation, residue mobility, and thermodynamic stability) performed at Invitae indicates that this missense variant is not expected to disrupt PTCH1 protein function. This variant has not been reported in the literature in individuals affected with PTCH1-related conditions. This variant is not present in population databases (gnomAD no frequency). This sequence change replaces arginine, which is basic and polar, with serine, which is neutral and polar, at codon 13 of the PTCH1 protein (p.Arg13Ser).

NM_000264.5(PTCH1):c.37C>A (p.Arg13Ser)

Genes: PTCH1 (patched 1; minus strand), LOC130002133 (ATAC-STARR-seq lymphoblastoid silent region 20071; plus strand). Cytogenetic location: 9q22.32.
Variant type: single nucleotide variant.
Coding change: c.37C>A on transcript NM_000264.5 (MANE Select); coding-DNA position 37, C replaced by A.
Protein change: p.Arg13Ser; replaces arginine 13 with serine.
Molecular consequence: missense variant. On other transcripts: non-coding transcript variant (1), intron variant (3).
Genome position (GRCh38, 1-based): chr9:95,508,325, G>T on the plus strand (C>A on the coding strand, the complement: PTCH1 is on the minus strand). VCF-style: chr9-95508325-G-T. GRCh37 (hg19) VCF-style: chr9-98270607-G-T.
Other names: c.37C>A, p.Arg13Ser (NM_001354918.2); c.199-1726C>A (NM_001083603.3); c.4-1726C>A (NM_001083602.3, NM_001354919.2); short protein forms R13S.
Identifiers: ClinVar variation 2166385 (VCV002166385.4), dbSNP rs779791579, ClinGen allele CA374121584.